The following is an entry in ClinVar:

NM_001079866.2(BCS1L):c.884T>G (p.Val295Gly)

Gene: BCS1L (BCS1 homolog, ubiquinol-cytochrome c reductase complex chaperone; plus strand). Cytogenetic location: 2q35.
Variant type: single nucleotide variant.
Coding change: c.884T>G on transcript NM_001079866.2 (MANE Select); coding-DNA position 884, T replaced by G.
Protein change: p.Val295Gly; replaces valine 295 with glycine.
Molecular consequence: missense variant. On other transcripts: non-coding transcript variant (1).
Genome position (GRCh38, 1-based): chr2:218,662,674, T>G. VCF-style: chr2-218662674-T-G. GRCh37 (hg19) VCF-style: chr2-219527397-T-G.
Other names: c.884T>G, p.Val295Gly (NM_001257342.2, NM_001257343.2, NM_001257344.2 and 10 more transcripts); c.524T>G, p.Val175Gly (NM_001318836.2, NM_001371451.1); c.383T>G, p.Val128Gly (NM_001371452.1, NM_001371453.1, NM_001371454.1 and 3 more transcripts); short protein forms V128G, V175G, V295G.
Identifiers: ClinVar variation 2501466 (VCV002501466.1), dbSNP rs2469890708, ClinGen allele CA350630671.

ClinVar aggregate classification (germline): Uncertain significance (1 of 4 stars; one submission).

Submission:

GeneDx
Classification: Uncertain significance. Last evaluated: 2022-11-03. Review status: criteria provided, single submitter. Criteria: GeneDx Variant Classification Process June 2021. Collection method: clinical testing. Allele origin: germline. Affected: yes.
Comment: Not observed at significant frequency in large population cohorts (gnomAD); In silico analysis supports that this missense variant does not alter protein structure/function; Has not been previously published as pathogenic or benign to our knowledge